The following is an entry in ClinVar:

NM_004530.6(MMP2):c.1227G>A (p.Met409Ile)

Gene: MMP2 (matrix metallopeptidase 2; plus strand). Cytogenetic location: 16q12.2.
Variant type: single nucleotide variant.
Coding change: c.1227G>A on transcript NM_004530.6 (MANE Select); coding-DNA position 1227, G replaced by A.
Protein change: p.Met409Ile; replaces methionine 409 with isoleucine.
Molecular consequence: missense variant.
Genome position (GRCh38, 1-based): chr16:55,491,847, G>A. VCF-style: chr16-55491847-G-A. GRCh37 (hg19) VCF-style: chr16-55525759-G-A.
Other names: c.1077G>A, p.Met359Ile (NM_001127891.3); c.999G>A, p.Met333Ile (NM_001302508.1, NM_001302509.2, NM_001302510.2); short protein forms M359I, M409I, M333I.
Identifiers: ClinVar variation 720508 (VCV000720508.16), dbSNP rs59727333, ClinGen allele CA8060357.

ClinVar aggregate classification (germline): Benign. Review status: criteria provided, multiple submitters, no conflicts (2 of 4 stars). 3 submissions from 3 submitters: Benign (3). Last evaluated 2025-12-10.

Conditions:
Multicentric osteolysis nodulosis arthropathy spectrum. Identifiers: Orphanet 3460, Orphanet 371428, MedGen C1850155, MONDO:0018298.

Allele frequency attached by ClinVar (database versions not stated): gnomAD exomes 0.00048 and 0.00144; ExAC 0.00180; gnomAD 0.00594 and 0.00635; ESP Exome Variant Server 0.00639; TOPMed 0.00682; 1000 Genomes Project 0.00859; 1000 Genomes Project 30x 0.00921.
gnomAD v4.1: 1,624 of 1,614,168 alleles (0.1%); highest among the groups gnomAD compares: African/African-American, 1.9%; 12 homozygotes.

Submissions (3):

Labcorp Genetics (formerly Invitae), Labcorp
Classification: Benign. Last evaluated: 2025-12-10. Review status: criteria provided, single submitter. Criteria: Invitae Variant Classification Sherloc (09022015). Collection method: clinical testing. Allele origin: germline.

Illumina Laboratory Services, Illumina
Classification: Benign for Multicentric osteolysis, nodulosis, and arthropathy. Last evaluated: 2017-04-27. Review status: criteria provided, single submitter. Criteria: ICSL Variant Classification Criteria 13 December 2019. Collection method: clinical testing. Allele origin: germline.
Comment: This variant was observed as part of a predisposition screen in an ostensibly healthy population. A literature search was performed for the gene, cDNA change, and amino acid change (where applicable). No publications were found based on this search. Allele frequency data from public databases was too high to be consistent with this variant causing disease. Therefore, this variant is classified as benign.

Breakthrough Genomics
Classification: Benign. Review status: criteria provided, single submitter. Criteria: ACMG Guidelines, 2015. Collection method: not provided. Allele origin: germline. Inheritance: Autosomal recessive inheritance. Affected: yes.